The following is an entry in ClinVar:

ClinVar aggregate classification (germline): Likely benign (1 of 4 stars; one submission).

Conditions:
TRPC5-related disorder. Also called: TRPC5-related condition.

Submission:

PreventionGenetics, part of Exact Sciences
Classification: Likely benign for TRPC5-related condition. Last evaluated: 2025-03-04. Review status: criteria provided, single submitter. Criteria: ACMG Guidelines, 2015. Collection method: clinical testing. Allele origin: germline.
Comment: This variant is classified as likely benign based on ACMG/AMP sequence variant interpretation guidelines (Richards et al. 2015 PMID: 25741868, with internal and published modifications).

NM_012471.3(TRPC5):c.1557A>G (p.Lys519=)

Gene: TRPC5 (transient receptor potential cation channel subfamily C member 5; minus strand). Cytogenetic location: Xq23.
Variant type: single nucleotide variant.
Coding change: c.1557A>G on transcript NM_012471.3 (MANE Select); coding-DNA position 1557, A replaced by G.
Protein change: p.Lys519=; no amino-acid change (lysine 519 retained).
Molecular consequence: synonymous variant.
Genome position (GRCh38, 1-based): chrX:111,847,257, T>C on the plus strand (A>G on the coding strand, the complement: TRPC5 is on the minus strand). VCF-style: chrX-111847257-T-C. GRCh37 (hg19) VCF-style: chrX-111090485-T-C.
Identifiers: ClinVar variation 4989000 (VCV004989000.1).